The following continues an entry in ClinVar:

NM_024685.4(BBS10):c.145C>T (p.Arg49Trp)

Gene: BBS10. ClinVar aggregate classification (germline): Pathogenic/Likely pathogenic. Pathogenic (13); Likely pathogenic (1).

Submissions 14 to 17 of 17:

Ambry Genetics
Classification: Pathogenic for Inborn genetic diseases. Last evaluated: 2014-09-27. Review status: criteria provided, single submitter. Criteria: Ambry Variant Classification Scheme 2023. Collection method: clinical testing. Allele origin: germline.
Comment: The c.145C>T (p.R49W) alteration is located in exon 1 (coding exon 1) of the BBS10 gene. This alteration results from a C to T substitution at nucleotide position 145, causing the arginine (R) at amino acid position 49 to be replaced by a tryptophan (W). The alteration is not observed in healthy cohorts:_x000D_ Based on data from the NHLBI Exome Sequencing Project (ESP), the BBS10 c.145C>T alteration was not observed among 6,147 individuals tested. Allele frequency data for this nucleotide position are not currently available from the 1000 Genomes Project and the alteration is not currently listed in the Database of Single Nucleotide Polymorphisms (dbSNP)._x000D_ Though some variants may appear to be rare due to database-specific ethnic underrepresentation, rare missense alleles commonly exhibit a deleterious effect on protein function (Kryukov, 2007; Tennessen, 2012). IF USED, PULL THESE INTO REFERENCES:_x000D_ Kryukov GV, et al. (2007) Am J Hum Genet 80:727-739. Tennessen JA, et al. (2012) Science 337(64):64-69. The amino acid change has been observed in affected individuals:_x000D_ _x000D_ This missense change has been reported both in homozygous and compound heterozygous form in 8 families with BBS (Stoetzel, 2006; Chen, 2011; Imhoff, 2011; Deveault, 2011). The altered amino acid is conserved throughout evolution:_x000D_ The p.R49 amino acid is completely conserved in available vertebrate species. The alteration is predicted deleterious by in silico models:_x000D_ The p.R49W alteration is predicted to be probably damaging by Polyphen and deleterious by SIFT in silico analyses. Based on the available evidence, this alteration is classified as pathogenic.

PreventionGenetics, part of Exact Sciences
Classification: Pathogenic for BBS10-related condition. Last evaluated: 2024-07-25. Review status: no assertion criteria provided. Collection method: clinical testing. Allele origin: germline. Not counted in ClinVar's aggregate classification.
Comment: The BBS10 c.145C>T variant is predicted to result in the amino acid substitution p.Arg49Trp. This variant was reported in the homozygous or compound heterozygous state in multiple individuals with Bardet-Biedl syndrome (Stoetzel et al. 2006. PubMed ID: 16582908; Chen et al. 2011. PubMed ID: 21642631; Scheidecker et al. 2015. PubMed ID: 25982971; Jeziorny et al. 2020. PubMed ID: 33138063). Functional studies in a zebrafish model showed that the p.Arg49Trp substitution could impact normal protein function (Zaghloul et al. 2010. PubMed ID: 20498079, Supplementary Table 4). This variant is reported in 0.011% of alleles in individuals of European (Non-Finnish) descent in gnomAD. This variant is interpreted as pathogenic.

Advanced Center For Translational And Genetic Medicine, Ann & Robert H. Lurie Children's Hospital Of Chicago
Classification: Likely pathogenic for Bardet-Biedl syndrome 1. Last evaluated: 2023-05-10. Review status: no assertion criteria provided. Collection method: research. Allele origin: unknown. Affected: yes. Observed: 1 compound heterozygote. Not counted in ClinVar's aggregate classification.

Counsyl
Classification: Pathogenic for Bardet-Biedl syndrome 10. Last evaluated: 2017-01-24. Review status: no assertion criteria provided. Collection method: clinical testing. Allele origin: unknown. Not counted in ClinVar's aggregate classification.

Literature cited by the submitters: PubMed 16582908 (cited by 5 submitters); PubMed 20498079 (cited by 5 submitters); PubMed 39092430 (cited by Women's Health and Genetics/Laboratory Corporation of America, LabCorp); PubMed 21209035 (cited by Natera, Inc. and Counsyl); PubMed 20472660 (cited by Labcorp Genetics (formerly Invitae), Labcorp); PubMed 22410627 (cited by Labcorp Genetics (formerly Invitae), Labcorp); PubMed 25982971 (cited by 3 submitters); PubMed 24746959 (cited by Institute of Human Genetics, Univ. Regensburg, Univ. Regensburg and Illumina Laboratory Services, Illumina); PubMed 30577886 (cited by Institute of Human Genetics, Univ. Regensburg, Univ. Regensburg); PubMed 30767287 (cited by Institute of Human Genetics, Univ. Regensburg, Univ. Regensburg); PubMed 31964843 (cited by Institute of Human Genetics, Univ. Regensburg, Univ. Regensburg); PubMed 33138063 (cited by Institute of Human Genetics, Univ. Regensburg, Univ. Regensburg); PubMed 33169370 (cited by Institute of Human Genetics, Univ. Regensburg, Univ. Regensburg); PubMed 32531858 (cited by Institute of Human Genetics, Univ. Regensburg, Univ. Regensburg); PubMed 34940782 (cited by Institute of Human Genetics, Univ. Regensburg, Univ. Regensburg); PubMed 32686083 (cited by Institute of Human Genetics, Univ. Regensburg, Univ. Regensburg); PubMed 34426522 (cited by Institute of Human Genetics, Univ. Regensburg, Univ. Regensburg); PubMed 35112343 (cited by Institute of Human Genetics, Univ. Regensburg, Univ. Regensburg); PubMed 35886001 (cited by Institute of Human Genetics, Univ. Regensburg, Univ. Regensburg); PubMed 21044901 (cited by Illumina Laboratory Services, Illumina); PubMed 21517826 (cited by Illumina Laboratory Services, Illumina); PubMed 20876674 (cited by Illumina Laboratory Services, Illumina); PubMed 21642631 (cited by Illumina Laboratory Services, Illumina); PubMed 20120035 (cited by Illumina Laboratory Services, Illumina and Counsyl); PubMed 20177705 (cited by Illumina Laboratory Services, Illumina); PubMed 20080638 (cited by Counsyl).